The following is an entry in ClinVar:

NM_016495.6(TBC1D7):c.747dup (p.Val250fs)

Genes: TBC1D7 (TBC1 domain family member 7; minus strand), TBC1D7-LOC100130357 (TBC1D7-LOC100130357 readthrough; minus strand). Cytogenetic location: 6p24.1.
Variant type: Duplication.
Coding change: c.747dup on transcript NM_016495.6 (MANE Select); coding-DNA position 747, one base duplicated (A; older notation c.747dupA).
Protein change: p.Val250fs; shifts the reading frame from valine 250.
Molecular consequence: frameshift variant.
Genome position (GRCh38, 1-based): chr6:13,306,446, T duplicated on the plus strand (A on the coding strand, the reverse complement: TBC1D7 is on the minus strand); the first of 4 consecutive T bases (chr6:13,306,446-13,306,449); duplicating any one gives the same sequence. VCF-style (leftmost placement, unchanged base first): chr6-13306445-C-CT. GRCh37 (hg19) VCF-style: chr6-13306677-C-CT.
Other names: c.747dup (NM_016495.5); c.747dup, p.Val250fs (NM_001318809.2, NM_001143964.4, NM_001143965.4 and 1 more transcripts); c.666dup, p.Val223fs (NM_001143966.4); c.609dup, p.Val204fs (NM_001258457.3); short protein forms V204fs, V223fs, V250fs.
Identifiers: ClinVar variation 488617 (VCV000488617.4), dbSNP rs1554192525, ClinGen allele CA658683439.

ClinVar aggregate classification (germline): Conflicting classifications of pathogenicity. Review status: criteria provided, conflicting classifications (1 of 4 stars). 2 submissions from 2 submitters: Pathogenic (1); Uncertain significance (1). Last evaluated 2024-05-20.

Conditions:
Macrocephaly. Also called: large head; Macrocephalus. Identifiers: MedGen C2243051, HP:0000256.

Submissions (2):

GeneDx
Classification: Uncertain significance. Last evaluated: 2024-05-20. Review status: criteria provided, single submitter. Criteria: GeneDx Variant Classification Process June 2021. Collection method: clinical testing. Allele origin: germline. Affected: yes.
Comment: Not observed at significant frequency in large population cohorts (gnomAD); Frameshift variant predicted to result in abnormal protein length as the last 44 amino acids are replaced with 30 different amino acids in a gene for which loss-of-function is not an established mechanism of disease; Has not been previously published as pathogenic or benign to our knowledge

Institute of Human Genetics Munich, TUM University Hospital
Classification: Pathogenic for Macrocephaly/megalencephaly syndrome, autosomal recessive. Last evaluated: 2017-11-08. Review status: criteria provided, single submitter. Criteria: Classification criteria August 2017. Collection method: clinical testing. Allele origin: germline. Inheritance: Autosomal recessive inheritance. Affected: yes. Observed: 1 homozygote.